The following is an entry in ClinVar:

ClinVar aggregate classification (germline): Uncertain significance (1 of 4 stars; one submission).

Submission:

GeneDx
Classification: Uncertain significance. Last evaluated: 2025-03-28. Review status: criteria provided, single submitter. Criteria: GeneDx Variant Classification Process June 2021. Collection method: clinical testing. Allele origin: germline. Affected: yes.
Comment: Not observed at significant frequency in large population cohorts (gnomAD); In silico analysis indicates that this missense variant does not alter protein structure/function; Has not been previously published as pathogenic or benign to our knowledge

NM_001458.5(FLNC):c.2926A>G (p.Ser976Gly)

Gene: FLNC (filamin C; plus strand). Cytogenetic location: 7q32.1.
Variant type: single nucleotide variant.
Coding change: c.2926A>G on transcript NM_001458.5 (MANE Select); coding-DNA position 2926, A replaced by G.
Protein change: p.Ser976Gly; replaces serine 976 with glycine.
Molecular consequence: missense variant.
Genome position (GRCh38, 1-based): chr7:128,843,910, A>G. VCF-style: chr7-128843910-A-G. GRCh37 (hg19) VCF-style: chr7-128483964-A-G.
Other names: c.2926A>G, p.Ser976Gly (NM_001127487.2); short protein forms S976G.
Identifiers: ClinVar variation 4087994 (VCV004087994.1).